The following is an entry in ClinVar:

NM_182925.5(FLT4):c.2569G>C (p.Gly857Arg)

Gene: FLT4 (fms related receptor tyrosine kinase 4; minus strand). Cytogenetic location: 5q35.3.
Variant type: single nucleotide variant.
Coding change: c.2569G>C on transcript NM_182925.5 (MANE Select); coding-DNA position 2569, G replaced by C.
Protein change: p.Gly857Arg; replaces glycine 857 with arginine.
Molecular consequence: missense variant.
Genome position (GRCh38, 1-based): chr5:180,619,743, C>G on the plus strand (G>C on the coding strand, the complement: FLT4 is on the minus strand). VCF-style: chr5-180619743-C-G. GRCh37 (hg19) VCF-style: chr5-180046743-C-G.
Other names: c.2569G>C, p.Gly857Arg (NM_001354989.2, NM_002020.5); short protein forms G857R.
Identifiers: ClinVar variation 4258403 (VCV004258403.1).

ClinVar aggregate classification (germline): Pathogenic (1 of 4 stars; one submission).

Conditions:
Inborn genetic diseases. Identifiers: MedGen C0950123, MeSH D030342.

Submission:

Ambry Genetics
Classification: Pathogenic for Inborn genetic diseases. Last evaluated: 2025-07-09. Review status: criteria provided, single submitter. Criteria: Ambry Variant Classification Scheme 2023. Collection method: clinical testing. Allele origin: germline.
Comment: The c.2569G>C (p.G857R) alteration is located in exon 18 (coding exon 18) of the FLT4 gene. This alteration results from a G to C substitution at nucleotide position 2569, causing the glycine (G) at amino acid position 857 to be replaced by an arginine (R). for FLT4-related lymphatic malformation, ; however, its clinical significance for FLT4-related congenital heart defects is uncertain. This variant was not reported in population-based cohorts in the Genome Aggregation Database (gnomAD). This variant was reported in individual(s) with features consistent with FLT4-related lymphatic malformation (Mendola, 2013). Other variant(s) (c.2569G>A) resulting in the same amino acid change have been identified in individual(s) with features consistent with FLT4-related lymphatic malformation (Connell, 2009; Karkkainen, 2000; Mizuno, 2005). This amino acid position is highly conserved in available vertebrate species. In multiple assays testing FLT4 function, another variant (c.2569G>A) resulting in the same amino acid change showed functionally abnormal results (Karkkainen, 2000; Suzuki, 2005). This alteration is predicted to be deleterious by in silico analysis. Based on the available evidence, this alteration is classified as pathogenic.

Literature cited by the submitters: PubMed 10835628; PubMed 15561887; PubMed 15904433; PubMed 19002718; PubMed 24167460.